The following is an entry in ClinVar:

NM_000455.5(STK11):c.735-3A>G

Gene: STK11 (serine/threonine kinase 11; plus strand). Cytogenetic location: 19p13.3.
Variant type: single nucleotide variant.
Coding change: c.735-3A>G on transcript NM_000455.5 (MANE Select); 3 bases into the intron before coding-DNA position 735, A replaced by G.
Molecular consequence: intron variant.
Genome position (GRCh38, 1-based): chr19:1,221,210, A>G. VCF-style: chr19-1221210-A-G. GRCh37 (hg19) VCF-style: chr19-1221209-A-G.
Identifiers: ClinVar variation 219507 (VCV000219507.15), dbSNP rs864622128, ClinGen allele CA349714.

ClinVar aggregate classification (germline): Conflicting classifications of pathogenicity. Review status: criteria provided, conflicting classifications (1 of 4 stars). 3 submissions from 3 submitters: Uncertain significance (2); Likely benign (1). Last evaluated 2025-09-05.

Conditions:
Hereditary cancer-predisposing syndrome. Also called: Tumor predisposition; Hereditary Cancer Syndrome; Neoplastic Syndromes, Hereditary; Hereditary neoplastic syndrome. Identifiers: Orphanet 140162, MedGen C0027672, MeSH D009386, MONDO:0015356.
Peutz-Jeghers syndrome (PJS). Also called: POLYPOSIS, HAMARTOMATOUS INTESTINAL; POLYPS-AND-SPOTS SYNDROME; Peutz-Jeghers polyposis; Periorificial lentiginosis syndrome. Identifiers: Orphanet 2869, MedGen C0031269, MeSH D010580, MONDO:0008280, OMIM 175200.

Submissions (3):

Ambry Genetics
Classification: Uncertain significance for Hereditary cancer-predisposing syndrome. Last evaluated: 2025-09-05. Review status: criteria provided, single submitter. Criteria: Ambry Variant Classification Scheme 2023. Collection method: clinical testing. Allele origin: germline.
Comment: The c.735-3A>G intronic variant results from an A to G substitution 3 nucleotides upstream from coding exon 6 in the STK11 gene. This nucleotide position is not well conserved in available vertebrate species. In silico splice site analysis for this alteration is inconclusive; however, direct evidence is insufficient at this time (Ambry internal data). Since supporting evidence is limited at this time, the clinical significance of this alteration remains unclear.

Labcorp Genetics (formerly Invitae), Labcorp
Classification: Likely benign for Peutz-Jeghers syndrome. Last evaluated: 2023-06-30. Review status: criteria provided, single submitter. Criteria: Invitae Variant Classification Sherloc (09022015). Collection method: clinical testing. Allele origin: germline.

Women's Health and Genetics/Laboratory Corporation of America, LabCorp
Classification: Uncertain significance. Last evaluated: 2022-01-14. Review status: criteria provided, single submitter. Criteria: LabCorp Variant Classification Summary - May 2015. Collection method: clinical testing. Allele origin: germline.